The following is an entry in ClinVar:

ClinVar aggregate classification (germline): Pathogenic/Likely pathogenic. Review status: criteria provided, multiple submitters, no conflicts (2 of 4 stars). 4 submissions from 4 submitters: Pathogenic (1); Likely pathogenic (3). Last evaluated 2026-07-11.

Conditions:
Peroxisome biogenesis disorder 7A (Zellweger). Also called: Peroxisome biogenesis disorder 7A. Identifiers: Orphanet 912, MedGen C3888385, MONDO:0013938, OMIM 614872.
Peroxisome biogenesis disorder 7B (PBD7B). Identifiers: Orphanet 44, MedGen C3553951, MONDO:0013939, OMIM 614873.
PEX26-related disorder. Also called: PEX26-related condition.

Submissions (4):

PreventionGenetics, part of Exact Sciences
Classification: Likely pathogenic for PEX26-related condition. Last evaluated: 2026-07-11. Review status: criteria provided, single submitter. Criteria: ACMG Guidelines, 2015. Collection method: clinical testing. Allele origin: germline.
Comment: The PEX26 c.27_58dup32 variant is predicted to result in a frameshift and premature protein termination (p.Arg20Glnfs*73). To our knowledge, this variant has not been previously reported in the literature. This variant is also absent from one public population database (gnomAD), indicating that this variant is rare. Frameshift variants in PEX26 are expected to be pathogenic. This variant is interpreted as likely pathogenic.

Fulgent Genetics
Classification: Likely pathogenic for Peroxisome biogenesis disorder 7A (Zellweger); Peroxisome biogenesis disorder 7B. Last evaluated: 2024-02-20. Review status: criteria provided, single submitter. Criteria: ACMG Guidelines, 2015. Collection method: clinical testing. Allele origin: germline.

Labcorp Genetics (formerly Invitae), Labcorp
Classification: Pathogenic for Peroxisome biogenesis disorder 7A (Zellweger); Peroxisome biogenesis disorder 7B. Last evaluated: 2023-09-15. Review status: criteria provided, single submitter. Criteria: Invitae Variant Classification Sherloc (09022015). Collection method: clinical testing. Allele origin: germline.
Comment: For these reasons, this variant has been classified as Pathogenic. This variant has not been reported in the literature in individuals affected with PEX26-related conditions. This variant is not present in population databases (gnomAD no frequency). This sequence change creates a premature translational stop signal (p.Arg20Glnfs*73) in the PEX26 gene. It is expected to result in an absent or disrupted protein product. Loss-of-function variants in PEX26 are known to be pathogenic (PMID: 12851857, 21031596).

Baylor Genetics
Classification: Likely pathogenic for Peroxisome biogenesis disorder 7A (Zellweger). Last evaluated: 2023-06-17. Review status: criteria provided, single submitter. Criteria: ACMG Guidelines, 2015. Collection method: clinical testing. Allele origin: unknown.

Literature cited by the submitters: PubMed 12851857 (cited by Labcorp Genetics (formerly Invitae), Labcorp); PubMed 21031596 (cited by Labcorp Genetics (formerly Invitae), Labcorp).

NM_001127649.3(PEX26):c.27_58dup (p.Arg20fs)

Genes: PEX26 (peroxisomal biogenesis factor 26; plus strand), LOC130066940 (ATAC-STARR-seq lymphoblastoid silent region 13448; plus strand). Cytogenetic location: 22q11.21.
Variant type: Duplication.
Coding change: c.27_58dup on transcript NM_001127649.3 (MANE Select); coding-DNA positions 27 to 58, 32 bases duplicated.
Protein change: p.Arg20fs; shifts the reading frame from arginine 20.
Molecular consequence: frameshift variant.
Genome position (GRCh38, 1-based): chr22:18,078,403-18,078,434, 32 bases duplicated; duplicating any 32 consecutive bases within chr22:18,078,399-18,078,434 gives the same sequence; the c. name uses the placement nearest the transcript's 3' end. GRCh37 (hg19): chr22:18,561,169-18,561,200.
Other names: c.27_58dup32 (NM_017929.5); c.27_58dup, p.Arg20fs (NM_001199319.2, NM_017929.6); short protein forms R20fs.
Identifiers: ClinVar variation 2677683 (VCV002677683.6), dbSNP rs1184561035, ClinGen allele CA638502283.